The following is an entry in ClinVar:

ClinVar aggregate classification (germline): Pathogenic (1 of 4 stars; one submission).

Submission:

Labcorp Genetics (formerly Invitae), Labcorp
Classification: Pathogenic. Last evaluated: 2023-12-26. Review status: criteria provided, single submitter. Criteria: Invitae Variant Classification Sherloc (09022015). Collection method: clinical testing. Allele origin: germline.
Comment: This sequence change creates a premature translational stop signal (p.Ser316*) in the MBD4 gene. It is expected to result in an absent or disrupted protein product. Loss-of-function variants in MBD4 are known to be pathogenic (PMID: 30049810, 35460607). This variant is not present in population databases (gnomAD no frequency). This variant has not been reported in the literature in individuals affected with MBD4-related conditions. For these reasons, this variant has been classified as Pathogenic.

Literature cited by the submitters: PubMed 30049810; PubMed 35460607.

NM_001276270.2(MBD4):c.943_946dup (p.Ser316Ter)

Gene: MBD4 (methyl-CpG binding domain 4, DNA glycosylase; minus strand). Cytogenetic location: 3q21.3.
Variant type: Duplication.
Coding change: c.943_946dup on transcript NM_001276270.2 (MANE Select); coding-DNA positions 943 to 946, 4 bases duplicated (AGAT; older notation c.943_946dupAGAT).
Protein change: p.Ser316Ter; replaces serine 316 with a stop codon.
Molecular consequence: nonsense. On other transcripts: intron variant (1).
Genome position (GRCh38, 1-based): chr3:129,436,698-129,436,701, ATCT duplicated on the plus strand (AGAT on the coding strand, the reverse complement: MBD4 is on the minus strand). VCF-style (leftmost placement, unchanged base first): chr3-129436697-G-GATCT. GRCh37 (hg19) VCF-style: chr3-129155540-G-GATCT.
Other names: c.943_946dup, p.Ser316Ter (NM_001276271.2, NM_001276272.2, NM_003925.3); c.247+1107_247+1110dup (NM_001276273.2); short protein forms S316*.
Identifiers: ClinVar variation 2705642 (VCV002705642.3), dbSNP rs2530719210, ClinGen allele CA2697556816.